The following is an entry in ClinVar:

ClinVar aggregate classification (germline): Conflicting classifications of pathogenicity. Review status: criteria provided, conflicting classifications (1 of 4 stars). 6 submissions from 6 submitters: Uncertain significance (1); Likely benign (2). 3 of the submissions do not count toward it. Last evaluated 2025-08-04.

Conditions:
GCLC-related disorder. Also called: GCLC-related condition.

Allele frequency attached by ClinVar (database versions not stated): 1000 Genomes Project 30x 0.00094; 1000 Genomes Project 0.00100; gnomAD exomes 0.00134 and 0.00243; TOPMed 0.00136; ExAC 0.00152; gnomAD 0.00153 and 0.00154; ESP Exome Variant Server 0.00208.
gnomAD v4.1: 3,695 of 1,607,000 alleles (0.23%); highest among the groups gnomAD compares: Non-Finnish European, 0.3%; 9 homozygotes.

Submissions (6):

Labcorp Genetics (formerly Invitae), Labcorp
Classification: Likely benign. Last evaluated: 2025-08-04. Review status: criteria provided, single submitter. Criteria: Invitae Variant Classification Sherloc (09022015). Collection method: clinical testing. Allele origin: germline.

ARUP Laboratories, Molecular Genetics and Genomics, ARUP Laboratories
Classification: Likely benign. Last evaluated: 2025-01-29. Review status: criteria provided, single submitter. Criteria: ARUP Molecular Germline Variant Investigation Process 2024. Collection method: clinical testing. Allele origin: germline.

Mayo Clinic Laboratories, Mayo Clinic
Classification: Uncertain significance. Last evaluated: 2022-08-22. Review status: criteria provided, single submitter. Criteria: ACMG Guidelines, 2015. Collection method: clinical testing. Allele origin: germline. Observed: 5 variant alleles.
Comment: BP4

PreventionGenetics, part of Exact Sciences
Classification: Likely benign for GCLC-related condition. Last evaluated: 2022-09-26. Review status: no assertion criteria provided. Collection method: clinical testing. Allele origin: germline. Not counted in ClinVar's aggregate classification.
Comment: This variant is classified as likely benign based on ACMG/AMP sequence variant interpretation guidelines (Richards et al. 2015 PMID: 25741868, with internal and published modifications).

Clinical Genetics DNA and cytogenetics Diagnostics Lab, Erasmus MC, Erasmus Medical Center
Classification: Likely benign. Review status: no assertion criteria provided. Collection method: clinical testing. Allele origin: germline. Affected: yes. Study: VKGL Data-share Consensus. Not counted in ClinVar's aggregate classification.

Genome Diagnostics Laboratory, University Medical Center Utrecht
Classification: Likely benign. Review status: no assertion criteria provided. Collection method: clinical testing. Allele origin: germline. Affected: yes. Study: VKGL Data-share Consensus. Not counted in ClinVar's aggregate classification.

NM_001498.4(GCLC):c.1039G>A (p.Asp347Asn)

Gene: GCLC (glutamate-cysteine ligase catalytic subunit; minus strand). Cytogenetic location: 6p12.1.
Variant type: single nucleotide variant.
Coding change: c.1039G>A on transcript NM_001498.4 (MANE Select); coding-DNA position 1039, G replaced by A.
Protein change: p.Asp347Asn; replaces aspartic acid 347 with asparagine.
Molecular consequence: missense variant.
Genome position (GRCh38, 1-based): chr6:53,507,525, C>T on the plus strand (G>A on the coding strand, the complement: GCLC is on the minus strand). VCF-style: chr6-53507525-C-T. GRCh37 (hg19) VCF-style: chr6-53372323-C-T.
Other names: p.Asp347Asn; c.925G>A, p.Asp309Asn (NM_001197115.2); short protein forms D347N, D309N.
Identifiers: ClinVar variation 715730 (VCV000715730.27), dbSNP rs80120302, ClinGen allele CA3860188.